The following is an entry in ClinVar:

NM_206933.4(USH2A):c.11506C>T (p.Pro3836Ser)

Gene: USH2A (usherin; minus strand). Cytogenetic location: 1q41.
Variant type: single nucleotide variant.
Coding change: c.11506C>T on transcript NM_206933.4 (MANE Select); coding-DNA position 11506, C replaced by T.
Protein change: p.Pro3836Ser; replaces proline 3836 with serine.
Molecular consequence: missense variant.
Genome position (GRCh38, 1-based): chr1:215,743,219, G>A on the plus strand (C>T on the coding strand, the complement: USH2A is on the minus strand). VCF-style: chr1-215743219-G-A. GRCh37 (hg19) VCF-style: chr1-215916561-G-A.
Other names: short protein forms P3836S.
Identifiers: ClinVar variation 594997 (VCV000594997.11), dbSNP rs371987720, ClinGen allele CA1393696.

ClinVar aggregate classification (germline): Uncertain significance. Review status: criteria provided, multiple submitters, no conflicts (2 of 4 stars). 8 submissions from 7 submitters: Uncertain significance (7). 1 of the submissions does not count toward it. Last evaluated 2026-05-04.

Conditions:
Inborn genetic diseases. Identifiers: MedGen C0950123, MeSH D030342.
USH2A-related disorder. Also called: USH2A-related disorders; USH2A-related condition. Identifiers: MedGen CN239332.
Usher syndrome type 2A. Also called: RETINAL DISEASE IN USHER SYNDROME TYPE IIA, MODIFIER OF; USHER SYNDROME, TYPE IIA. Identifiers: Orphanet 231178, Orphanet 886, MedGen C1848634, MONDO:0010169, OMIM 276901.
Retinitis pigmentosa 39 (RP39). Identifiers: Orphanet 791, MedGen C3151138, MONDO:0013436, OMIM 613809.

Allele frequency attached by ClinVar (database versions not stated): ExAC 0.00001; ESP Exome Variant Server 0.00008; gnomAD 0.00009 and 0.00010; TOPMed 0.00011.
gnomAD v4.1: 30 of 1,612,394 alleles (0.0019%); highest among the groups gnomAD compares: African/African-American, 0.028%; no homozygotes.

Submissions (8):

PreventionGenetics, part of Exact Sciences
Classification: Uncertain significance for USH2A-related condition. Last evaluated: 2026-05-04. Review status: criteria provided, single submitter. Criteria: ACMG Guidelines, 2015. Collection method: clinical testing. Allele origin: germline.
Comment: The USH2A c.11506C>T variant is predicted to result in the amino acid substitution p.Pro3836Ser. To our knowledge, this variant has not been reported in the literature. This variant is reported in 0.012% of alleles in individuals of African descent in gnomAD. At this time, the clinical significance of this variant is uncertain due to the absence of conclusive functional and genetic evidence.

Genome-Nilou Lab
Classification: Uncertain significance for Retinitis pigmentosa 39. Last evaluated: 2023-11-04. Review status: criteria provided, single submitter. Criteria: ACMG Guidelines, 2015. Collection method: clinical testing. Allele origin: germline. Affected: no.

Genome-Nilou Lab
Classification: Uncertain significance for Usher syndrome type 2A. Last evaluated: 2023-11-04. Review status: criteria provided, single submitter. Criteria: ACMG Guidelines, 2015. Collection method: clinical testing. Allele origin: germline. Affected: no.

Labcorp Genetics (formerly Invitae), Labcorp
Classification: Uncertain significance. Last evaluated: 2022-10-17. Review status: criteria provided, single submitter. Criteria: Invitae Variant Classification Sherloc (09022015). Collection method: clinical testing. Allele origin: germline.
Comment: This sequence change replaces proline, which is neutral and non-polar, with serine, which is neutral and polar, at codon 3836 of the USH2A protein (p.Pro3836Ser). This variant is present in population databases (rs371987720, gnomAD 0.01%). This variant has not been reported in the literature in individuals affected with USH2A-related conditions. ClinVar contains an entry for this variant (Variation ID: 594997). Algorithms developed to predict the effect of missense changes on protein structure and function (SIFT, PolyPhen-2, Align-GVGD) all suggest that this variant is likely to be disruptive. In summary, the available evidence is currently insufficient to determine the role of this variant in disease. Therefore, it has been classified as a Variant of Uncertain Significance.

Blueprint Genetics
Classification: Uncertain significance. Last evaluated: 2022-09-06. Review status: criteria provided, single submitter. Criteria: ACMG Guidelines, 2015. Collection method: clinical testing. Allele origin: germline.

Eurofins Ntd Llc (ga)
Classification: Uncertain significance. Last evaluated: 2017-11-28. Review status: criteria provided, single submitter. Criteria: EGL Classification Definitions 2015. Collection method: clinical testing. Allele origin: germline. Observed: 1 variant allele, 1 heterozygote.

Ambry Genetics
Classification: Uncertain significance for Inborn genetic diseases. Last evaluated: 2016-09-27. Review status: criteria provided, single submitter. Criteria: Ambry exome assertion method (8-5-2015). Collection method: clinical testing. Allele origin: germline. Affected: yes. Observed: 1 variant allele.

Natera, Inc.
Classification: Uncertain significance for Usher syndrome type 2A. Last evaluated: 2019-11-11. Review status: no assertion criteria provided. Collection method: clinical testing. Allele origin: germline. Not counted in ClinVar's aggregate classification.